The following is an entry in ClinVar:

NM_022455.5(NSD1):c.1804T>C (p.Cys602Arg)

Gene: NSD1 (nuclear receptor binding SET domain protein 1; plus strand). Cytogenetic location: 5q35.3.
Variant type: single nucleotide variant.
Coding change: c.1804T>C on transcript NM_022455.5 (MANE Select); coding-DNA position 1804, T replaced by C.
Protein change: p.Cys602Arg; replaces cysteine 602 with arginine.
Molecular consequence: missense variant.
Genome position (GRCh38, 1-based): chr5:177,210,203, T>C. VCF-style: chr5-177210203-T-C. GRCh37 (hg19) VCF-style: chr5-176637204-T-C.
Other names: c.1804T>C, p.Cys602Arg (NM_001409302.1, NM_001409303.1, NM_001409301.1); c.1384T>C, p.Cys462Arg (NM_001409304.1); c.1051T>C, p.Cys351Arg (NM_001409305.1); c.931T>C, p.Cys311Arg (NM_001409306.1, NM_001409307.1, NM_001409308.1 and 3 more transcripts); short protein forms C311R, C602R, C462R, C351R.
Identifiers: ClinVar variation 3638773 (VCV003638773.2).
Genomic context (GRCh38, chr5:177,210,203, plus strand): 5'-TTTGAGACTTCAAATGGTGACTCTTTATTGGGCTTGCCTGAGGGTGCTTTGATCTCAAAG[T>C]GTTCTCGAGAGAAGAATAAACCCCAACGAAGCCTGGTGTGTGGTTCAAAAGTGAAGCTCT-3'
Protein context (NP_071900.2, residues 592-612): GLPEGALISK[Cys602Arg]SREKNKPQRS

ClinVar aggregate classification (germline): Uncertain significance (1 of 4 stars; one submission).

gnomAD v4.1: 1 of 1,596,410 alleles (0.000063%); highest among the groups gnomAD compares: Middle Eastern, 0.017%; no homozygotes.

Submission:

Labcorp Genetics (formerly Invitae), Labcorp
Classification: Uncertain significance. Last evaluated: 2024-09-13. Review status: criteria provided, single submitter. Criteria: Invitae Variant Classification Sherloc (09022015). Collection method: clinical testing. Allele origin: germline.
Comment: This sequence change replaces cysteine, which is neutral and slightly polar, with arginine, which is basic and polar, at codon 602 of the NSD1 protein (p.Cys602Arg). This variant is not present in population databases (gnomAD no frequency). This variant has not been reported in the literature in individuals affected with NSD1-related conditions. Invitae Evidence Modeling of protein sequence and biophysical properties (such as structural, functional, and spatial information, amino acid conservation, physicochemical variation, residue mobility, and thermodynamic stability) indicates that this missense variant is not expected to disrupt NSD1 protein function with a negative predictive value of 95%. In summary, the available evidence is currently insufficient to determine the role of this variant in disease. Therefore, it has been classified as a Variant of Uncertain Significance.